The following is an entry in ClinVar:

ClinVar aggregate classification (germline): Uncertain significance. Review status: criteria provided, multiple submitters, no conflicts (2 of 4 stars). 5 submissions from 5 submitters: Uncertain significance (5). Last evaluated 2026-01-05.

Conditions:
Hereditary cancer-predisposing syndrome. Also called: Hereditary neoplastic syndrome; Neoplastic Syndromes, Hereditary; Hereditary Cancer Syndrome; Tumor predisposition. Identifiers: Orphanet 140162, MedGen C0027672, MeSH D009386, MONDO:0015356.
Hereditary pheochromocytoma and paraganglioma. Also called: Hereditary pheochromocytoma-paraganglioma; Hereditary Paraganglioma-Pheochromocytoma Syndromes; Hereditary paragangliomas and pheochromocytomas. Identifiers: Orphanet 29072, MedGen C4274332, MONDO:0017366.
Pheochromocytoma/paraganglioma syndrome 3. Also called: GLOMUS TUMORS, FAMILIAL, 3; SDHC-Related Hereditary Paraganglioma-Pheochromocytoma Syndrome; Paragangliomas 3; SDHC-Related Hereditary Paraganglioma-Pheochromocytoma Syndrome (Paragangliomas 3). Identifiers: Orphanet 29072, MedGen C1854336, MONDO:0011544, OMIM 605373.
Gastrointestinal stromal tumor. Also called: Gastrointestinal stromal tumor, somatic; Gastrointestinal stroma tumor. Identifiers: Orphanet 44890, MedGen C0238198, MeSH D046152, MONDO:0011719, OMIM 606764, HP:0100723.

Allele frequency attached by ClinVar (database versions not stated): gnomAD exomes below 0.00001 and 0.00001; TOPMed below 0.00001; ExAC 0.00002.
gnomAD v4.1: 7 of 1,613,968 alleles (0.00043%); highest among the groups gnomAD compares: Middle Eastern, 0.016%; no homozygotes.

Submissions (5):

Dasa
Classification: Uncertain significance. Last evaluated: 2026-01-05. Review status: criteria provided, single submitter. Criteria: DASA Assertion Criteria. Collection method: clinical testing. Allele origin: germline.
Comment: NM_003001.5(SDHC):c.205A>G (p.Ile69Val) is a missense variant that results in the substitution of isoleucine with valine. The affected residue or protein region has prior evidence supporting clinical relevance. This variant is rare in population databases. The currently available literature and clinical evidence are not sufficient to establish a definitive association between this variant and the reported condition. Therefore, this variant is classified as a variant of uncertain significance.

Labcorp Genetics (formerly Invitae), Labcorp
Classification: Uncertain significance for Pheochromocytoma/paraganglioma syndrome 3; Gastrointestinal stromal tumor. Last evaluated: 2025-10-19. Review status: criteria provided, single submitter. Criteria: Invitae Variant Classification Sherloc (09022015). Collection method: clinical testing. Allele origin: germline.
Comment: This sequence change replaces isoleucine, which is neutral and non-polar, with valine, which is neutral and non-polar, at codon 69 of the SDHC protein (p.Ile69Val). This variant is present in population databases (rs753561812, gnomAD 0.01%). This variant has not been reported in the literature in individuals affected with SDHC-related conditions. ClinVar contains an entry for this variant (Variation ID: 534376). An algorithm developed to predict the effect of missense changes on protein structure and function outputs the following: PolyPhen-2: "Benign". The valine amino acid residue is found in multiple mammalian species, which suggests that this missense change does not adversely affect protein function. In summary, the available evidence is currently insufficient to determine the role of this variant in disease. Therefore, it has been classified as a Variant of Uncertain Significance.

Color Diagnostics, LLC DBA Color Health
Classification: Uncertain significance for Hereditary pheochromocytoma and paraganglioma. Last evaluated: 2025-09-30. Review status: criteria provided, single submitter. Criteria: ACMG Guidelines, 2015. Collection method: clinical testing. Allele origin: germline.
Comment: This missense variant replaces isoleucine with valine at codon 69 of the SDHC protein. Computational prediction suggests that this variant may not impact protein structure and function. To our knowledge, functional studies have not been reported for this variant. This variant has not been reported in individuals affected with SDHC-related disorders in the literature. This variant has been identified in 7/1461686 chromosomes in the general population by the Genome Aggregation Database (gnomAD). The available evidence is insufficient to determine the role of this variant in disease conclusively. Therefore, this variant is classified as a Variant of Uncertain Significance.

Ambry Genetics
Classification: Uncertain significance for Hereditary cancer-predisposing syndrome. Last evaluated: 2024-11-05. Review status: criteria provided, single submitter. Criteria: Ambry Variant Classification Scheme 2023. Collection method: clinical testing. Allele origin: germline.
Comment: The p.I69V variant (also known as c.205A>G), located in coding exon 4 of the SDHC gene, results from an A to G substitution at nucleotide position 205. The isoleucine at codon 69 is replaced by valine, an amino acid with highly similar properties. This amino acid position is conserved. In addition, the in silico prediction for this alteration is inconclusive. Since supporting evidence is limited at this time, the clinical significance of this alteration remains unclear.

All of Us Research Program, National Institutes of Health
Classification: Uncertain significance for Hereditary pheochromocytoma and paraganglioma. Last evaluated: 2024-03-05. Review status: criteria provided, single submitter. Criteria: ACMG Guidelines, 2015. Collection method: clinical testing. Allele origin: germline. Inheritance: Autosomal dominant inheritance. Observed: 2 variant alleles, 2 heterozygotes.
Comment: This missense variant replaces isoleucine with valine at codon 69 of the SDHC protein. Computational prediction suggests that this variant may not impact protein structure and function (internally defined REVEL score threshold <= 0.5, PMID: 27666373). To our knowledge, functional studies have not been reported for this variant. This variant has not been reported in individuals affected with SDHC-related disorders in the literature. This variant has been identified in 3/248986 chromosomes in the general population by the Genome Aggregation Database (gnomAD). The available evidence is insufficient to determine the role of this variant in disease conclusively. Therefore, this variant is classified as a Variant of Uncertain Significance.

This study involves interpretation of variants in research participants for the purpose of population health screening. Participant phenotype was not available at the time of variant classification. Additional details can be found in publication PMID: 35346344, PMCID: PMC8962531

NM_003001.5(SDHC):c.205A>G (p.Ile69Val)

Gene: SDHC (succinate dehydrogenase complex subunit C; plus strand). Cytogenetic location: 1q23.3.
Variant type: single nucleotide variant.
Coding change: c.205A>G on transcript NM_003001.5 (MANE Select); coding-DNA position 205, A replaced by G.
Protein change: p.Ile69Val; replaces isoleucine 69 with valine.
Molecular consequence: missense variant.
Genome position (GRCh38, 1-based): chr1:161,340,619, A>G. VCF-style: chr1-161340619-A-G. GRCh37 (hg19) VCF-style: chr1-161310409-A-G.
Other names: c.205A>G, p.Ile69Val (NM_001035511.3); c.103A>G, p.Ile35Val (NM_001035512.3, NM_001278172.3, NM_001407118.1); c.46A>G, p.Ile16Val (NM_001035513.3); c.325A>G, p.Ile109Val (NM_001407115.1); c.148A>G, p.Ile50Val (NM_001407116.1, NM_001407117.1, NM_001407121.1); c.94A>G, p.Ile32Val (NM_001407119.1, NM_001407120.1); short protein forms I69V, I16V, I35V, I50V, I109V, I32V.
Identifiers: ClinVar variation 534376 (VCV000534376.19), dbSNP rs753561812, ClinGen allele CA046402.